The following is an entry in ClinVar:

NM_017617.5(NOTCH1):c.6366G>A (p.Pro2122=)

Gene: NOTCH1 (notch receptor 1; minus strand). Cytogenetic location: 9q34.3.
Variant type: single nucleotide variant.
Coding change: c.6366G>A on transcript NM_017617.5 (MANE Select); coding-DNA position 6366, G replaced by A.
Protein change: p.Pro2122=; no amino-acid change (proline 2122 retained).
Molecular consequence: synonymous variant.
Genome position (GRCh38, 1-based): chr9:136,497,373, C>T on the plus strand (G>A on the coding strand, the complement: NOTCH1 is on the minus strand). VCF-style: chr9-136497373-C-T. GRCh37 (hg19) VCF-style: chr9-139391825-C-T.
Other names: c.6366G>A, p.Pro2122= (LRG_1122t1).
Identifiers: ClinVar variation 509086 (VCV000509086.12), dbSNP rs762003410, ClinGen allele CA5339921.

ClinVar aggregate classification (germline): Likely benign. Review status: criteria provided, multiple submitters, no conflicts (2 of 4 stars). 5 submissions from 4 submitters: Likely benign (5). Last evaluated 2025-06-24.

Conditions:
Aortic valve disease 1 (AOVD1). Identifiers: MedGen C3887892, MONDO:0024523, OMIM 109730.
Adams-Oliver syndrome 5 (AOS5). Identifiers: Orphanet 974, MedGen C4014970, MONDO:0014459, OMIM 616028.
Familial thoracic aortic aneurysm and aortic dissection (TAAD). Also called: Thoracic aortic aneurysms and dissections. Identifiers: Orphanet 91387, MedGen C4707243, MONDO:0019625.

Allele frequency attached by ClinVar (database versions not stated): gnomAD exomes 0.00001 and 0.00002; ExAC 0.00002; gnomAD 0.00002; TOPMed 0.00002.

Submissions (5):

Labcorp Genetics (formerly Invitae), Labcorp
Classification: Likely benign for Adams-Oliver syndrome 5. Last evaluated: 2025-06-24. Review status: criteria provided, single submitter. Criteria: Invitae Variant Classification Sherloc (09022015). Collection method: clinical testing. Allele origin: germline.

Genome-Nilou Lab
Classification: Likely benign for Adams-Oliver syndrome 5. Last evaluated: 2022-03-15. Review status: criteria provided, single submitter. Criteria: ACMG Guidelines, 2015. Collection method: clinical testing. Allele origin: germline. Affected: no.

Genome-Nilou Lab
Classification: Likely benign for Aortic valve disease 1. Last evaluated: 2022-03-15. Review status: criteria provided, single submitter. Criteria: ACMG Guidelines, 2015. Collection method: clinical testing. Allele origin: germline. Affected: no.

Ambry Genetics
Classification: Likely benign for Familial thoracic aortic aneurysm and aortic dissection. Last evaluated: 2020-12-07. Review status: criteria provided, single submitter. Criteria: Ambry Variant Classification Scheme 2023. Collection method: clinical testing. Allele origin: germline.

GeneDx
Classification: Likely benign. Last evaluated: 2017-04-24. Review status: criteria provided, single submitter. Criteria: GeneDx Variant Classification (06012015). Collection method: clinical testing. Allele origin: germline. Affected: yes.
Comment: This variant is considered likely benign or benign based on one or more of the following criteria: it is a conservative change, it occurs at a poorly conserved position in the protein, it is predicted to be benign by multiple in silico algorithms, and/or has population frequency not consistent with disease.